The following is an entry in ClinVar:

NM_003823.4(TNFRSF6B):c.743C>T (p.Ala248Val)

Genes: RTEL1 (regulator of telomere elongation helicase 1; plus strand), RTEL1-TNFRSF6B (RTEL1-TNFRSF6B readthrough (NMD candidate); plus strand), TNFRSF6B (TNF receptor superfamily member 6b; plus strand). Cytogenetic location: 20q13.33.
Variant type: single nucleotide variant.
Coding change: c.743C>T on transcript NM_003823.4 (MANE Select); coding-DNA position 743, C replaced by T.
Protein change: p.Ala248Val; replaces alanine 248 with valine.
Molecular consequence: missense variant. On other transcripts: non-coding transcript variant (1).
Genome position (GRCh38, 1-based): chr20:63,698,403, C>T. VCF-style: chr20-63698403-C-T. GRCh37 (hg19) VCF-style: chr20-62329756-C-T.
Other names: short protein forms A248V.
Identifiers: ClinVar variation 550480 (VCV000550480.5), dbSNP rs1555816251, ClinGen allele CA409712077.

ClinVar aggregate classification (germline): Uncertain significance. Review status: criteria provided, single submitter (1 of 4 stars). 2 submissions from 2 submitters: Uncertain significance (1). 1 of the submissions does not count toward it. Last evaluated 2025-05-30.

Conditions:
Dyskeratosis congenita, autosomal recessive 5 (DKCB5). Identifiers: MedGen C3554656, MONDO:0014076, OMIM 615190.

Allele frequency attached by ClinVar (database versions not stated): gnomAD exomes below 0.00001.

Submissions (2):

Labcorp Genetics (formerly Invitae), Labcorp
Classification: Uncertain significance. Last evaluated: 2025-05-30. Review status: criteria provided, single submitter. Criteria: Invitae Variant Classification Sherloc (09022015). Collection method: clinical testing. Allele origin: germline.
Comment: This sequence change replaces alanine, which is neutral and non-polar, with valine, which is neutral and non-polar, at codon 248 of the TNFRSF6B protein (p.Ala248Val). This variant is not present in population databases (gnomAD no frequency). This variant has not been reported in the literature in individuals affected with TNFRSF6B-related conditions. ClinVar contains an entry for this variant (Variation ID: 550480). An algorithm developed to predict the effect of missense changes on protein structure and function (PolyPhen-2) suggests that this variant is likely to be tolerated. In summary, the available evidence is currently insufficient to determine the role of this variant in disease. Therefore, it has been classified as a Variant of Uncertain Significance.

Counsyl
Classification: Uncertain significance for Dyskeratosis congenita, autosomal recessive 5. Last evaluated: 2017-01-25. Review status: no assertion criteria provided. Collection method: clinical testing. Allele origin: unknown. Not counted in ClinVar's aggregate classification.